The following is an entry in ClinVar:

ClinVar aggregate classification (germline): Likely benign (1 of 4 stars; one submission).

Conditions:
DNMT3A-related disorder. Also called: DNMT3A-related disorders; DNMT3A-related condition.

gnomAD v4.1: 1 of 1,612,208 alleles (0.000062%); highest among the groups gnomAD compares: Non-Finnish European, 0.000085%; no homozygotes.

Submission:

PreventionGenetics, part of Exact Sciences
Classification: Likely benign for DNMT3A-related condition. Last evaluated: 2026-06-23. Review status: criteria provided, single submitter. Criteria: ACMG Guidelines, 2015. Collection method: clinical testing. Allele origin: germline.
Comment: This variant is classified as likely benign based on ACMG/AMP sequence variant interpretation guidelines (Richards et al. 2015 PMID: 25741868, with internal and published modifications).

NM_022552.5(DNMT3A):c.861C>A (p.Gly287=)

Gene: DNMT3A (DNA methyltransferase 3 alpha; minus strand). Cytogenetic location: 2p23.3.
Variant type: single nucleotide variant.
Coding change: c.861C>A on transcript NM_022552.5 (MANE Select); coding-DNA position 861, C replaced by A.
Protein change: p.Gly287=; no amino-acid change (glycine 287 retained).
Molecular consequence: synonymous variant. On other transcripts: non-coding transcript variant (1).
Genome position (GRCh38, 1-based): chr2:25,247,744, G>T on the plus strand (C>A on the coding strand, the complement: DNMT3A is on the minus strand). VCF-style: chr2-25247744-G-T. GRCh37 (hg19) VCF-style: chr2-25470613-G-T.
Other names: c.405C>A, p.Gly135= (NM_001320893.1); c.192C>A, p.Gly64= (NM_001375819.1); c.294C>A, p.Gly98= (NM_153759.3); c.861C>A, p.Gly287= (NM_175629.2).
Identifiers: ClinVar variation 4991860 (VCV004991860.1).